The following is an entry in ClinVar:

NM_001099274.3(TINF2):c.900A>G (p.Ile300Met)

Gene: TINF2 (TERF1 interacting nuclear factor 2; minus strand). Cytogenetic location: 14q12.
Variant type: single nucleotide variant.
Coding change: c.900A>G on transcript NM_001099274.3 (MANE Select); coding-DNA position 900, A replaced by G.
Protein change: p.Ile300Met; replaces isoleucine 300 with methionine.
Molecular consequence: missense variant.
Genome position (GRCh38, 1-based): chr14:24,240,580, T>C on the plus strand (A>G on the coding strand, the complement: TINF2 is on the minus strand). VCF-style: chr14-24240580-T-C. GRCh37 (hg19) VCF-style: chr14-24709786-T-C.
Other names: c.795A>G, p.Ile265Met (NM_001363668.2); c.900A>G, p.Ile300Met (NM_012461.3); short protein forms I265M, I300M.
Identifiers: ClinVar variation 2880545 (VCV002880545.3), dbSNP rs1483280624, ClinGen allele CA389225000.

ClinVar aggregate classification (germline): Uncertain significance (1 of 4 stars; one submission).

Conditions:
Dyskeratosis congenita. Identifiers: Orphanet 1775, MedGen C0265965, MONDO:0015780.

Allele frequency attached by ClinVar (database versions not stated): gnomAD exomes below 0.00001.
gnomAD v4.1: 1 of 1,614,196 alleles (0.000062%); highest among the groups gnomAD compares: Admixed American, 0.0017%; no homozygotes.

Submission:

Labcorp Genetics (formerly Invitae), Labcorp
Classification: Uncertain significance for Dyskeratosis congenita. Last evaluated: 2023-02-18. Review status: criteria provided, single submitter. Criteria: Invitae Variant Classification Sherloc (09022015). Collection method: clinical testing. Allele origin: germline.
Comment: This sequence change replaces isoleucine, which is neutral and non-polar, with methionine, which is neutral and non-polar, at codon 300 of the TINF2 protein (p.Ile300Met). In summary, the available evidence is currently insufficient to determine the role of this variant in disease. Therefore, it has been classified as a Variant of Uncertain Significance. An algorithm developed to predict the effect of missense changes on protein structure and function (PolyPhen-2) suggests that this variant is likely to be tolerated. This variant has not been reported in the literature in individuals affected with TINF2-related conditions. This variant is present in population databases (no rsID available, gnomAD 0.003%).